The following is an entry in ClinVar:

NM_153717.3(EVC):c.2898C>T (p.Ser966=)

Gene: EVC (EvC ciliary complex subunit 1; plus strand). Cytogenetic location: 4p16.2.
Variant type: single nucleotide variant.
Coding change: c.2898C>T on transcript NM_153717.3 (MANE Select); coding-DNA position 2898, C replaced by T.
Protein change: p.Ser966=; no amino-acid change (serine 966 retained).
Molecular consequence: synonymous variant.
Genome position (GRCh38, 1-based): chr4:5,810,956, C>T. VCF-style: chr4-5810956-C-T. GRCh37 (hg19) VCF-style: chr4-5812683-C-T.
Other names: c.2895C>T, p.Ser965= (NM_001306090.2); c.2898C>T (NM_153717.2).
Identifiers: ClinVar variation 1082364 (VCV001082364.11), dbSNP rs1716824868, ClinGen allele CA438205890.

ClinVar aggregate classification (germline): Conflicting classifications of pathogenicity. Review status: criteria provided, conflicting classifications (1 of 4 stars). 2 submissions from 2 submitters: Uncertain significance (1); Likely benign (1). Last evaluated 2026-01-30.

Conditions:
Curry-Hall syndrome (WAD). Also called: WEYERS ACRODENTAL DYSOSTOSIS. Identifiers: Orphanet 952, MedGen C0457013, MONDO:0008673, OMIM 193530.
Ellis-van Creveld syndrome (EVC). Also called: MESOECTODERMAL DYSPLASIA; Chondroectodermal dysplasia. Identifiers: Orphanet 289, MedGen C0013903, MONDO:0009162, OMIM 225500.

Allele frequency attached by ClinVar (database versions not stated): TOPMed 0.00001.

Submissions (2):

GeneDx
Classification: Uncertain significance. Last evaluated: 2026-01-30. Review status: criteria provided, single submitter. Criteria: GeneDx Variant Classification Process June 2021. Collection method: clinical testing. Allele origin: germline.
Comment: Not observed at significant frequency in large population cohorts (gnomAD); In silico analysis suggests that this variant does not alter splicing; Has not been previously published as pathogenic or benign to our knowledge

Labcorp Genetics (formerly Invitae), Labcorp
Classification: Likely benign for Curry-Hall syndrome; Ellis-van Creveld syndrome. Last evaluated: 2020-01-17. Review status: criteria provided, single submitter. Criteria: Invitae Variant Classification Sherloc (09022015). Collection method: clinical testing. Allele origin: germline.